The following is an entry in ClinVar:

ClinVar aggregate classification (germline): Pathogenic (1 of 4 stars; one submission).

Conditions:
Inborn genetic diseases. Identifiers: MedGen C0950123, MeSH D030342.

Submission:

Ambry Genetics
Classification: Pathogenic for Inborn genetic diseases. Last evaluated: 2025-11-24. Review status: criteria provided, single submitter. Criteria: Ambry Variant Classification Scheme 2023. Collection method: clinical testing. Allele origin: germline.
Comment: The c.2331delT (p.G779Vfs*2) alteration, located in coding exon 13 of the ATP2B1 gene, consists of a deletion of one nucleotide at position 2331, causing a translational frameshift with a predicted alternate stop codon after 2 amino acids. This alteration is expected to result in loss of function by premature protein truncation or nonsense-mediated mRNA decay. This variant was not reported in population-based cohorts in the Genome Aggregation Database (gnomAD). Based on the available evidence, this alteration is classified as pathogenic.

NM_001366521.1(ATP2B1):c.2331del (p.Gly779fs)

Gene: ATP2B1 (ATPase plasma membrane Ca2+ transporting 1; minus strand). Cytogenetic location: 12q21.33.
Variant type: Deletion.
Coding change: c.2331del on transcript NM_001366521.1 (MANE Select); coding-DNA position 2331, one base deleted (T; older notation c.2331delT).
Protein change: p.Gly779fs; shifts the reading frame from glycine 779.
Molecular consequence: frameshift variant. On other transcripts: non-coding transcript variant (3).
Genome position (GRCh38, 1-based): chr12:89,610,425, A deleted on the plus strand (T on the coding strand, the reverse complement: ATP2B1 is on the minus strand); the first of 2 consecutive A bases (chr12:89,610,425-89,610,426); deleting either gives the same sequence. VCF-style (leftmost placement, unchanged base first): chr12-89610424-TA-T. GRCh37 (hg19) VCF-style: chr12-90004201-TA-T.
Other names: c.2331del, p.Gly779fs (NM_001001323.2, NM_001366520.1, NM_001366522.1 and 12 more transcripts); c.2133del, p.Gly713fs (NM_001366530.1, NM_001413053.1); c.1770del, p.Gly592fs (NM_001366531.1, NM_001366532.1, NM_001413058.1 and 2 more transcripts); c.2292del, p.Gly766fs (NM_001413048.1); c.2190del, p.Gly732fs (NM_001413051.1, NM_001413052.1, NM_001413055.1); c.2088del, p.Gly698fs (NM_001413054.1); c.2076del, p.Gly694fs (NM_001413056.1); c.1878del, p.Gly628fs (NM_001413057.1); short protein forms G628fs, G694fs, G779fs, G592fs, G732fs, G766fs, G713fs, G698fs.
Identifiers: ClinVar variation 2601163 (VCV002601163.3), dbSNP rs2540882833, ClinGen allele CA2582341793.